The following is an entry in ClinVar:

NM_144997.7(FLCN):c.16G>A (p.Ala6Thr)

Gene: FLCN (folliculin; minus strand). Cytogenetic location: 17p11.2.
Variant type: single nucleotide variant.
Coding change: c.16G>A on transcript NM_144997.7 (MANE Select); coding-DNA position 16, G replaced by A.
Protein change: p.Ala6Thr; replaces alanine 6 with threonine.
Molecular consequence: missense variant.
Genome position (GRCh38, 1-based): chr17:17,228,122, C>T on the plus strand (G>A on the coding strand, the complement: FLCN is on the minus strand). VCF-style: chr17-17228122-C-T. GRCh37 (hg19) VCF-style: chr17-17131436-C-T.
Other names: c.16G>A, p.Ala6Thr (NM_001353229.2, NM_001353230.2, NM_001353231.2 and 1 more transcripts); short protein forms A6T.
Identifiers: ClinVar variation 2561012 (VCV002561012.2), dbSNP rs2145050851, ClinGen allele CA398535505.
Genomic context (GRCh38, chr17:17,228,122, plus strand): 5'-GCAGCACCTCCGTGCAGAAGAGAGTGCGGGGGCCGTGGAGCTCGCAGAAGTGGCAGAGAG[C>T]CACGATGGCATTCATGGTGCCTTGGAGACTGCAACAGGCCTGCGTGGGACAGGGGACATG-3'
Protein context (NP_659434.2, residues 1-16): MNAIV[Ala6Thr]LCHFCELHGP

ClinVar aggregate classification (germline): Uncertain significance (1 of 4 stars; one submission).

Conditions:
Hereditary cancer-predisposing syndrome. Also called: Neoplastic Syndromes, Hereditary; Hereditary Cancer Syndrome; Hereditary neoplastic syndrome; Tumor predisposition. Identifiers: Orphanet 140162, MedGen C0027672, MeSH D009386, MONDO:0015356.

Submission:

Ambry Genetics
Classification: Uncertain significance for Hereditary cancer-predisposing syndrome. Last evaluated: 2023-03-18. Review status: criteria provided, single submitter. Criteria: Ambry Variant Classification Scheme 2023. Collection method: clinical testing. Allele origin: germline.
Comment: The p.A6T variant (also known as c.16G>A), located in coding exon 1 of the FLCN gene, results from a G to A substitution at nucleotide position 16. The alanine at codon 6 is replaced by threonine, an amino acid with similar properties. This amino acid position is conserved. In addition, this alteration is predicted to be deleterious by in silico analysis. Since supporting evidence is limited at this time, the clinical significance of this alteration remains unclear.